The following is an entry in ClinVar:

ClinVar aggregate classification (germline): Pathogenic (1 of 4 stars; one submission).

Conditions:
Familial thoracic aortic aneurysm and aortic dissection (TAAD). Also called: Thoracic aortic aneurysms and dissections. Identifiers: Orphanet 91387, MedGen C4707243, MONDO:0019625.
Marfan syndrome (MFS). Also called: MARFAN SYNDROME, TYPE I; Marfan syndrome type 1; Marfan's syndrome; Marfan syndrome, classic; FBN1-Related Marfan Syndrome. Identifiers: Orphanet 284963, Orphanet 558, MedGen C0024796, MONDO:0007947, OMIM 154700.

Submission:

Labcorp Genetics (formerly Invitae), Labcorp
Classification: Pathogenic for Marfan syndrome; Familial thoracic aortic aneurysm and aortic dissection. Last evaluated: 2022-04-21. Review status: criteria provided, single submitter. Criteria: Invitae Variant Classification Sherloc (09022015). Collection method: clinical testing. Allele origin: germline.
Comment: For these reasons, this variant has been classified as Pathogenic. This variant has not been reported in the literature in individuals affected with FBN1-related conditions. This variant is not present in population databases (gnomAD no frequency). This sequence change creates a premature translational stop signal (p.Thr14Asnfs*41) in the FBN1 gene. It is expected to result in an absent or disrupted protein product. Loss-of-function variants in FBN1 are known to be pathogenic (PMID: 17657824, 19293843).

Literature cited by the submitters: PubMed 17657824; PubMed 19293843.

NM_000138.5(FBN1):c.40dup (p.Thr14fs)

Genes: FBN1 (fibrillin 1; minus strand), LOC130057019 (ATAC-STARR-seq lymphoblastoid silent region 6417; plus strand). Cytogenetic location: 15q21.1.
Variant type: Duplication.
Coding change: c.40dup on transcript NM_000138.5 (MANE Select); coding-DNA position 40, one base duplicated (A; older notation c.40dupA).
Protein change: p.Thr14fs; shifts the reading frame from threonine 14.
Molecular consequence: frameshift variant.
Genome position (GRCh38, 1-based): chr15:48,644,730, T duplicated on the plus strand (A on the coding strand, the reverse complement: FBN1 is on the minus strand). VCF-style (leftmost placement, unchanged base first): chr15-48644729-G-GT. GRCh37 (hg19) VCF-style: chr15-48936926-G-GT.
Other names: c.40dup, p.Thr14Asnfs (NM_001406716.1, NM_001406717.1, NM_001406718.1); short protein forms T14fs.
Identifiers: ClinVar variation 2113331 (VCV002113331.4), dbSNP rs2505822290, ClinGen allele CA2580089588.